The following is an entry in ClinVar:

ClinVar aggregate classification (germline): Likely pathogenic (1 of 4 stars; one submission).

Conditions:
Gaucher disease. Also called: Acute cerebral Gaucher disease; Cerebroside lipidosis syndrome; Gaucher splenomegaly; Sphingolipidosis 1; Glucocerebrosidosis; Glucosylceramidase deficiency. Identifiers: Orphanet 355, MedGen C0017205, MONDO:0018150.

Submission:

Natera, Inc.
Classification: Likely pathogenic for Gaucher disease. Last evaluated: 2025-09-22. Review status: criteria provided, single submitter. Criteria: Natera Variant Classification Schema (03/2026). Collection method: clinical testing. Allele origin: germline.
Comment: The c.856C>T variant in GBA1 is a nonsense variant predicted to introduce a stop codon at amino acid 286. This variant is expected to result in nonsense mediated decay, truncation, or a dysfunctional protein product. This variant is rare in the general population with a frequency below the threshold expected for the associated phenotype(s). Given the available evidence, this variant is classified as Likely Pathogenic.

NM_000157.4(GBA1):c.856C>T (p.Gln286Ter)

Genes: GBA1 (glucosylceramidase beta 1; minus strand), LOC106627981 (GBA recombination region; plus strand). Cytogenetic location: 1q22.
Variant type: single nucleotide variant.
Coding change: c.856C>T on transcript NM_000157.4 (MANE Select); coding-DNA position 856, C replaced by T.
Protein change: p.Gln286Ter; replaces glutamine 286 with a stop codon.
Molecular consequence: nonsense.
Genome position (GRCh38, 1-based): chr1:155,237,484, G>A on the plus strand (C>T on the coding strand, the complement: GBA1 is on the minus strand). VCF-style: chr1-155237484-G-A. GRCh37 (hg19) VCF-style: chr1-155207275-G-A.
Other names: c.856C>T, p.Gln286Ter (NM_001005741.3, NM_001005742.3); c.595C>T, p.Gln199Ter (NM_001171811.2); c.709C>T, p.Gln237Ter (NM_001171812.2); short protein forms Q199*, Q237*, Q286*.
Identifiers: ClinVar variation 4817817 (VCV004817817.1).
Genomic context (GRCh38, chr1:155,237,484, plus strand): 5'-TAGGACCTAGGTCACGGGCAATGAAGTCTCGCTGATGTTCAGGGGTGAAGCCCAGGCACT[G>A]GAAGGGGTATCCACTCAACAGCCCAGCAGAAGGCTCATTTTCAGCTGTCACTGCCCAGAA-3'